The following is an entry in ClinVar:

NM_001130438.3(SPTAN1):c.4671C>G (p.Ser1557Arg)

Gene: SPTAN1 (spectrin alpha, non-erythrocytic 1; plus strand). Cytogenetic location: 9q34.11.
Variant type: single nucleotide variant.
Coding change: c.4671C>G on transcript NM_001130438.3 (MANE Select); coding-DNA position 4671, C replaced by G.
Protein change: p.Ser1557Arg; replaces serine 1557 with arginine.
Molecular consequence: missense variant.
Genome position (GRCh38, 1-based): chr9:128,609,197, C>G. VCF-style: chr9-128609197-C-G. GRCh37 (hg19) VCF-style: chr9-131371476-C-G.
Other names: c.4611C>G, p.Ser1537Arg (NM_001195532.2, NM_001363765.2, NM_001375314.2 and 3 more transcripts); c.4671C>G, p.Ser1557Arg (NM_001363759.2, NM_001375310.1, NM_001438445.1 and 4 more transcripts); c.4707C>G, p.Ser1569Arg (NM_001375312.2, NM_001375318.1, NM_001438440.1); short protein forms S1537R, S1557R, S1569R.
Identifiers: ClinVar variation 4527355 (VCV004527355.1).

ClinVar aggregate classification (germline): Uncertain significance (1 of 4 stars; one submission).

Submission:

GeneDx
Classification: Uncertain significance. Last evaluated: 2025-04-30. Review status: criteria provided, single submitter. Criteria: GeneDx Variant Classification Process June 2021. Collection method: clinical testing. Allele origin: germline. Affected: yes.
Comment: Not observed at significant frequency in large population cohorts (gnomAD); In silico analysis supports that this missense variant has a deleterious effect on protein structure/function; Has not been previously published as pathogenic or benign to our knowledge